The following is an entry in ClinVar:

ClinVar aggregate classification (germline): Uncertain significance (1 of 4 stars; one submission).

Conditions:
UMOD-related disorder. Also called: UMOD-related condition.

Submission:

PreventionGenetics, part of Exact Sciences
Classification: Uncertain significance for UMOD-related condition. Last evaluated: 2024-12-30. Review status: criteria provided, single submitter. Criteria: ACMG Guidelines, 2015. Collection method: clinical testing. Allele origin: germline.
Comment: The UMOD c.121_127delinsC variant is predicted to result in an in-frame deletion and insertion. To our knowledge, this variant has not been reported in the literature or in a large population database (gnomAD), indicating this variant is rare. Of note, this change is also known as an intronic variant c.89-625_89-619delinsC on the widely used transcript NM_003361, which is predicted to have no splice impact (Alamut Visual Plus v1.6.1; SpliceAI, Jaganathan et al. 2019. PubMed ID: 30661751). At this time, the clinical significance of this variant is uncertain due to the absence of conclusive functional and genetic evidence.

NM_003361.4(UMOD):c.89-625_89-619delinsC

Gene: UMOD (uromodulin; minus strand). Cytogenetic location: 16p12.3.
Variant type: Indel.
Coding change: c.89-625_89-619delinsC on transcript NM_003361.4 (MANE Select); 625 bases into the intron before coding-DNA position 89 through 619 bases into the intron before coding-DNA position 89, TGGAGGA replaced by C.
Molecular consequence: intron variant. On other transcripts: inframe indel (1).
Genome position (GRCh38, 1-based): chr16:20,349,831-20,349,837, TCCTCCA replaced by G on the plus strand (TGGAGGA replaced by C on the coding strand, the reverse complement: UMOD is on the minus strand). VCF-style: chr16-20349831-TCCTCCA-G. GRCh37 (hg19) VCF-style: chr16-20361153-TCCTCCA-G.
Other names: c.121_127delinsC, p.Trp41_Thr43delinsPro (NM_001278614.2); c.89-625_89-619delinsC (NM_001008389.3, NM_001378234.1, NM_001378235.1 and 3 more transcripts).
Identifiers: ClinVar variation 4999428 (VCV004999428.1).
Genomic context (GRCh38, chr16:20,349,831, plus strand): 5'-TTCCCTGGCTGGTGAAATCTTCATCAGGACCCTGCTCAGTGTCGCCTCCTCTCTGCGGAG[TCCTCCA>G]ACTCCACCTGGCTGGGCAGTTGTACTTTGTTCCTCCGTAATAAAAATAACCATTAAAAAA-3'